The following is an entry in ClinVar:

NM_004586.3(RPS6KA3):c.1103A>G (p.Asp368Gly)

Gene: RPS6KA3 (ribosomal protein S6 kinase A3; minus strand). Cytogenetic location: Xp22.12.
Variant type: single nucleotide variant.
Coding change: c.1103A>G on transcript NM_004586.3 (MANE Select); coding-DNA position 1103, A replaced by G.
Protein change: p.Asp368Gly; replaces aspartic acid 368 with glycine.
Molecular consequence: missense variant.
Genome position (GRCh38, 1-based): chrX:20,175,288, T>C on the plus strand (A>G on the coding strand, the complement: RPS6KA3 is on the minus strand). VCF-style: chrX-20175288-T-C. GRCh37 (hg19) VCF-style: chrX-20193406-T-C.
Other names: short protein forms D368G.
Identifiers: ClinVar variation 2500387 (VCV002500387.1), dbSNP rs2519676360, ClinGen allele CA412517064.

ClinVar aggregate classification (germline): Uncertain significance (1 of 4 stars; one submission).

Submission:

GeneDx
Classification: Uncertain significance. Last evaluated: 2022-10-25. Review status: criteria provided, single submitter. Criteria: GeneDx Variant Classification Process June 2021. Collection method: clinical testing. Allele origin: germline. Affected: yes.
Comment: Not observed at significant frequency in large population cohorts (gnomAD); In silico analysis supports that this missense variant has a deleterious effect on protein structure/function; Has not been previously published as pathogenic or benign to our knowledge